The following is an entry in ClinVar:

NM_032578.4(MYPN):c.3493+11C>T

Gene: MYPN (myopalladin; plus strand). Cytogenetic location: 10q21.3.
Variant type: single nucleotide variant.
Coding change: c.3493+11C>T on transcript NM_032578.4 (MANE Select); 11 bases into the intron after coding-DNA position 3493, C replaced by T.
Molecular consequence: intron variant.
Genome position (GRCh38, 1-based): chr10:68,199,586, C>T. VCF-style: chr10-68199586-C-T. GRCh37 (hg19) VCF-style: chr10-69959343-C-T.
Other names: c.3493+11C>T (NM_001256267.2); c.2611+11C>T (NM_001256268.2).
Identifiers: ClinVar variation 201872 (VCV000201872.24), dbSNP rs113674647, ClinGen allele CA335276.

ClinVar aggregate classification (germline): Benign/Likely benign. Review status: criteria provided, multiple submitters, no conflicts (2 of 4 stars). 8 submissions from 8 submitters: Benign (6); Likely benign (1). 1 of the submissions does not count toward it. Last evaluated 2026-02-02.

Conditions:
Dilated cardiomyopathy 1KK (CMD1KK). Identifiers: Orphanet 154, Orphanet 75249, MedGen C3714995, MONDO:0014100, OMIM 615248.

Allele frequency attached by ClinVar (database versions not stated): gnomAD 0.00520 and 0.00496; 1000 Genomes Project 0.00819; 1000 Genomes Project 30x 0.00984; gnomAD exomes 0.00047 and 0.00146; ExAC 0.00187; TOPMed 0.00453.
gnomAD v4.1: 1,351 of 1,582,112 alleles (0.085%); highest among the groups gnomAD compares: African/African-American, 1.6%; 9 homozygotes.

Submissions (8):

Labcorp Genetics (formerly Invitae), Labcorp
Classification: Benign for Dilated cardiomyopathy 1KK. Last evaluated: 2026-02-02. Review status: criteria provided, single submitter. Criteria: Invitae Variant Classification Sherloc (09022015). Collection method: clinical testing. Allele origin: germline.

Blueprint Genetics
Classification: Likely benign. Last evaluated: 2024-11-27. Review status: criteria provided, single submitter. Criteria: ACMG Guidelines, 2015. Collection method: clinical testing. Allele origin: germline.

Women's Health and Genetics/Laboratory Corporation of America, LabCorp
Classification: Benign. Last evaluated: 2023-07-29. Review status: criteria provided, single submitter. Criteria: LabCorp Variant Classification Summary - May 2015. Collection method: clinical testing. Allele origin: germline.

ARUP Laboratories, Molecular Genetics and Genomics, ARUP Laboratories
Classification: Benign. Last evaluated: 2021-04-13. Review status: criteria provided, single submitter. Criteria: ARUP Molecular Germline Variant Investigation Process 2021. Collection method: clinical testing. Allele origin: germline.

Clinical Genetics DNA and cytogenetics Diagnostics Lab, Erasmus MC, Erasmus Medical Center
Classification: Benign for Dilated cardiomyopathy 1KK. Last evaluated: 2017-05-31. Review status: criteria provided, single submitter. Criteria: ACGS Guidelines, 2013. Collection method: clinical testing. Allele origin: germline. Affected: yes. Study: VKGL Data-share Consensus.

GeneDx
Classification: Benign. Last evaluated: 2014-09-10. Review status: criteria provided, single submitter. Criteria: GeneDx Variant Classification (06012015). Collection method: clinical testing. Allele origin: germline. Affected: yes.
Comment: This variant is considered likely benign or benign based on one or more of the following criteria: it is a conservative change, it occurs at a poorly conserved position in the protein, it is predicted to be benign by multiple in silico algorithms, and/or has population frequency not consistent with disease.

Breakthrough Genomics
Classification: Benign. Review status: criteria provided, single submitter. Criteria: ACMG Guidelines, 2015. Collection method: not provided. Allele origin: germline. Inheritance: Autosomal recessive inheritance. Affected: yes.

Clinical Genetics, Academic Medical Center
Classification: Benign. Review status: no assertion criteria provided. Collection method: clinical testing. Allele origin: germline. Affected: yes. Study: VKGL Data-share Consensus. Not counted in ClinVar's aggregate classification.